The following is an entry in ClinVar:

ClinVar aggregate classification (germline): Uncertain significance. Review status: criteria provided, multiple submitters, no conflicts (2 of 4 stars). 5 submissions from 5 submitters: Uncertain significance (5). Last evaluated 2025-12-05.

Conditions:
Familial adenomatous polyposis 3. Also called: NTHL1-related attenuated familial adenomatous polyposis; NTHL1-Related Adenomatous Polyposis and Colorectal Cancer; NTHL1-associated polyposis; NTHL1 Tumor Syndrome. Identifiers: Orphanet 220460, Orphanet 454840, MedGen C4225157, MONDO:0014630, OMIM 616415.
Hereditary cancer-predisposing syndrome. Also called: Neoplastic Syndromes, Hereditary; Hereditary neoplastic syndrome; Tumor predisposition; Hereditary Cancer Syndrome. Identifiers: Orphanet 140162, MedGen C0027672, MeSH D009386, MONDO:0015356.

Allele frequency attached by ClinVar (database versions not stated): gnomAD 0.00001; gnomAD exomes 0.00001; ExAC 0.00002.

Submissions (5):

Labcorp Genetics (formerly Invitae), Labcorp
Classification: Uncertain significance. Last evaluated: 2025-12-05. Review status: criteria provided, single submitter. Criteria: Invitae Variant Classification Sherloc (09022015). Collection method: clinical testing. Allele origin: germline.
Comment: This sequence change replaces serine, which is neutral and polar, with asparagine, which is neutral and polar, at codon 22 of the NTHL1 protein (p.Ser22Asn). This variant is present in population databases (rs746090969, gnomAD 0.01%). This variant has not been reported in the literature in individuals affected with NTHL1-related conditions. ClinVar contains an entry for this variant (Variation ID: 853104). An algorithm developed to predict the effect of missense changes on protein structure and function (PolyPhen-2) suggests that this variant is likely to be disruptive. In summary, the available evidence is currently insufficient to determine the role of this variant in disease. Therefore, it has been classified as a Variant of Uncertain Significance.

Center for Genomic Medicine, Rigshospitalet, Copenhagen University Hospital
Classification: Uncertain significance. Last evaluated: 2025-03-04. Review status: criteria provided, single submitter. Criteria: ACMG Guidelines, 2015. Collection method: clinical testing. Allele origin: germline.

Department of Pathology and Laboratory Medicine, Sinai Health System
Classification: Uncertain significance for Familial adenomatous polyposis 3. Last evaluated: 2024-11-29. Review status: criteria provided, single submitter. Criteria: ACMG Guidelines, 2015. Collection method: clinical testing. Allele origin: germline.

Ambry Genetics
Classification: Uncertain significance for Hereditary cancer-predisposing syndrome. Last evaluated: 2024-02-27. Review status: criteria provided, single submitter. Criteria: Ambry Variant Classification Scheme 2023. Collection method: clinical testing. Allele origin: germline.
Comment: The p.S22N variant (also known as c.65G>A), located in coding exon 1 of the NTHL1 gene, results from a G to A substitution at nucleotide position 65. The serine at codon 22 is replaced by asparagine, an amino acid with highly similar properties. This amino acid position is well conserved in available vertebrate species. In addition, this alteration is predicted to be tolerated by in silico analysis. Since supporting evidence is limited at this time, the clinical significance of this alteration remains unclear.

GeneDx
Classification: Uncertain significance. Last evaluated: 2021-06-10. Review status: criteria provided, single submitter. Criteria: GeneDx Variant Classification Process June 2021. Collection method: clinical testing. Allele origin: germline. Affected: yes.
Comment: Not observed at significant frequency in large population cohorts (Lek et al., 2016); In silico analysis supports that this missense variant does not alter protein structure/function; Has not been previously published as pathogenic or benign to our knowledge

NM_002528.7(NTHL1):c.41G>A (p.Ser14Asn)

Gene: NTHL1 (nth like DNA glycosylase 1; minus strand). Cytogenetic location: 16p13.3.
Variant type: single nucleotide variant.
Coding change: c.41G>A on transcript NM_002528.7 (MANE Select); coding-DNA position 41, G replaced by A.
Protein change: p.Ser14Asn; replaces serine 14 with asparagine.
Molecular consequence: missense variant. On other transcripts: 5 prime UTR variant (1).
Genome position (GRCh38, 1-based): chr16:2,047,783, C>T on the plus strand (G>A on the coding strand, the complement: NTHL1 is on the minus strand). VCF-style: chr16-2047783-C-T. GRCh37 (hg19) VCF-style: chr16-2097784-C-T.
Other names: c.41G>A, p.Ser14Asn (NM_001318193.2); c.-138G>A (NM_001318194.2); short protein forms S14N.
Identifiers: ClinVar variation 853104 (VCV000853104.16), dbSNP rs746090969, ClinGen allele CA027818.